The following is an entry in ClinVar:

ClinVar aggregate classification (germline): Benign (1 of 4 stars; one submission).

Allele frequency attached by ClinVar (database versions not stated): gnomAD exomes 0.00431; gnomAD 0.03390 and 0.03624; TOPMed 0.03906; 1000 Genomes Project 0.04014; 1000 Genomes Project 30x 0.04388.
gnomAD v4.1: 10,945 of 1,426,362 alleles (0.77%); highest among the groups gnomAD compares: African/African-American, 11%; 487 homozygotes.

Submission:

GeneDx
Classification: Benign. Last evaluated: 2018-06-14. Review status: criteria provided, single submitter. Criteria: GeneDx Variant Classification (06012015). Collection method: clinical testing. Allele origin: germline. Affected: yes.
Comment: This variant is considered likely benign or benign based on one or more of the following criteria: it is a conservative change, it occurs at a poorly conserved position in the protein, it is predicted to be benign by multiple in silico algorithms, and/or has population frequency not consistent with disease.

NM_003383.5(VLDLR):c.1313-101A>G

Gene: VLDLR (very low density lipoprotein receptor; plus strand). Cytogenetic location: 9p24.2.
Variant type: single nucleotide variant.
Coding change: c.1313-101A>G on transcript NM_003383.5 (MANE Select); 101 bases into the intron before coding-DNA position 1313, A replaced by G.
Molecular consequence: intron variant.
Genome position (GRCh38, 1-based): chr9:2,645,473, A>G. VCF-style: chr9-2645473-A-G. GRCh37 (hg19) VCF-style: chr9-2645473-A-G.
Other names: c.1313-101A>G (NM_001018056.3); c.1190-101A>G (NM_001322225.2, NM_001322226.2).
Identifiers: ClinVar variation 678434 (VCV000678434.1), dbSNP rs35753953, ClinGen allele CA187953531.